The following is an entry in ClinVar:

NM_000257.4(MYH7):c.431G>A (p.Gly144Asp)

Gene: MYH7 (myosin heavy chain 7; minus strand). Cytogenetic location: 14q11.2.
Variant type: single nucleotide variant.
Coding change: c.431G>A on transcript NM_000257.4 (MANE Select); coding-DNA position 431, G replaced by A.
Protein change: p.Gly144Asp; replaces glycine 144 with aspartic acid.
Molecular consequence: missense variant.
Genome position (GRCh38, 1-based): chr14:23,432,710, C>T on the plus strand (G>A on the coding strand, the complement: MYH7 is on the minus strand). VCF-style: chr14-23432710-C-T. GRCh37 (hg19) VCF-style: chr14-23901919-C-T.
Other names: p.G144D:GGC>GAC; short protein forms G144D.
Identifiers: ClinVar variation 181302 (VCV000181302.19), dbSNP rs730880834, ClinGen allele CA014800.

ClinVar aggregate classification (germline): Conflicting classifications of pathogenicity. Review status: criteria provided, conflicting classifications (1 of 4 stars). 6 submissions from 6 submitters: Pathogenic (1); Uncertain significance (5). Last evaluated 2025-12-22.

Conditions:
Cardiovascular phenotype. Identifiers: MedGen CN230736.
Cardiomyopathy (CMYO). Also called: Cardiomyopathies. Identifiers: Orphanet 167848, MedGen C0878544, MONDO:0004994, HP:0001638. Inheritance: Various modes of inheritance.
Hypertrophic cardiomyopathy. Also called: HYPERTROPHIC MYOCARDIOPATHY. Identifiers: Orphanet 217569, MedGen C0007194, MeSH D002312, MONDO:0005045, HP:0001639.

Allele frequency attached by ClinVar (database versions not stated): gnomAD exomes below 0.00001; TOPMed below 0.00001.
gnomAD v4.1: 2 of 1,614,138 alleles (0.00012%); highest among the groups gnomAD compares: East Asian, 0.0022%; no homozygotes.

Submissions (6):

Labcorp Genetics (formerly Invitae), Labcorp
Classification: Pathogenic for Hypertrophic cardiomyopathy. Last evaluated: 2025-12-22. Review status: criteria provided, single submitter. Criteria: Invitae Variant Classification Sherloc (09022015). Collection method: clinical testing. Allele origin: germline.
Comment: This sequence change replaces glycine, which is neutral and non-polar, with aspartic acid, which is acidic and polar, at codon 144 of the MYH7 protein (p.Gly144Asp). This variant is not present in population databases (gnomAD no frequency). This missense change has been observed in individuals with hypertrophic cardiomyopathy (PMID: 27247418; internal data). ClinVar contains an entry for this variant (Variation ID: 181302). Invitae Evidence Modeling of protein sequence and biophysical properties (such as structural, functional, and spatial information, amino acid conservation, physicochemical variation, residue mobility, and thermodynamic stability) indicates that this missense variant is expected to disrupt MYH7 protein function with a positive predictive value of 95%. For these reasons, this variant has been classified as Pathogenic.

Color Diagnostics, LLC DBA Color Health
Classification: Uncertain significance for Cardiomyopathy. Last evaluated: 2025-08-08. Review status: criteria provided, single submitter. Criteria: ACMG Guidelines, 2015. Collection method: clinical testing. Allele origin: germline.
Comment: This missense variant replaces glycine with aspartic acid at codon 144 of the MYH7 protein. Computational prediction suggests that this variant may have deleterious impact on protein structure and function. To our knowledge, functional studies have not been reported for this variant. This variant has been reported in two individuals affected with hypertrophic cardiomyopathy (PMID: 27247418, 29710196). This variant has not been identified in the general population by the Genome Aggregation Database (gnomAD). The available evidence is insufficient to determine the role of this variant in disease conclusively. Therefore, this variant is classified as a Variant of Uncertain Significance.

All of Us Research Program, National Institutes of Health
Classification: Uncertain significance for Cardiomyopathy. Last evaluated: 2024-08-30. Review status: criteria provided, single submitter. Criteria: ACMG Guidelines, 2015. Collection method: clinical testing. Allele origin: germline. Inheritance: Autosomal dominant inheritance. Observed: 1 variant allele, 1 heterozygote.
Comment: This study involves interpretation of variants in research participants for the purpose of population health screening. Participant phenotype was not available at the time of variant classification. Additional details can be found in publication PMID: 35346344, PMCID: PMC8962531

GeneDx
Classification: Uncertain significance. Last evaluated: 2024-08-30. Review status: criteria provided, single submitter. Criteria: GeneDx Variant Classification Process June 2021. Collection method: clinical testing. Allele origin: germline. Affected: yes.
Comment: Identified in patients with HCM referred for genetic testing at GeneDx and in published literature (PMID: 27247418, 29710196); Not observed at significant frequency in large population cohorts (gnomAD); Located in the myosin motor domain, a region enriched with missense variants reported in association with HCM (PMID: 27532257, 29300372); In silico analysis supports that this missense variant has a deleterious effect on protein structure/function; This variant is associated with the following publications: (PMID: 28606303, 29710196, 27532257, 29300372, 27247418)

Ambry Genetics
Classification: Uncertain significance for Cardiovascular phenotype. Last evaluated: 2023-01-09. Review status: criteria provided, single submitter. Criteria: Ambry Variant Classification Scheme 2023. Collection method: clinical testing. Allele origin: germline.
Comment: The p.G144D variant (also known as c.431G>A), located in coding exon 3 of the MYH7 gene, results from a G to A substitution at nucleotide position 431. The glycine at codon 144 is replaced by aspartic acid, an amino acid with similar properties. This variant has been identified in hypertrophic cardiomyopathy cohorts; however, clinical details were limited (Maurizi N et al. JAMA Cardiol, 2018 Apr;doi: 10.1001/jamacardio.2018.0789; Homburger JR et al. Proc Natl Acad Sci U S A, 2016 06;113:6701-6). This amino acid position is highly conserved in available vertebrate species. In addition, this alteration is predicted to be deleterious by in silico analysis. Based on available evidence to date, the clinical significance of this alteration remains unclear.

Laboratory for Molecular Medicine, Mass General Brigham Personalized Medicine
Classification: Uncertain significance. Last evaluated: 2015-04-10. Review status: criteria provided, single submitter. Criteria: LMM Criteria. Collection method: clinical testing. Allele origin: germline. Observed: 1 variant allele.
Comment: Variant classified as Uncertain Significance - Favor Pathogenic. The p.Gly144Asp variant in MYH7 has not been previously reported in individuals with cardiomyop athy and was absent from large population studies. Glycine (Gly) at position 144 is highly conserved in mammals and across evolutionarily distant species and th e change to Aspartic acid (Asp) was predicted to be pathogenic using a computati onal tool clinically validated by our laboratory. This tool's pathogenic predict ion is estimated to be correct 94% of the time (Jordan 2011). In summary, while there is some suspicion for a pathogenic role, the clinical significance of the p.Gly144Asp variant is uncertain.

Literature cited by the submitters: PubMed 27247418 (cited by 3 submitters); PubMed 29710196 (cited by Color Diagnostics, LLC DBA Color Health and Ambry Genetics); PubMed 27885498 (cited by Ambry Genetics).